The following is an entry in ClinVar:

NM_015335.5(MED13L):c.3319del (p.His1107fs)

Gene: MED13L (mediator complex subunit 13L; minus strand). Cytogenetic location: 12q24.21.
Variant type: Deletion.
Coding change: c.3319del on transcript NM_015335.5 (MANE Select); coding-DNA position 3319, one base deleted (C; older notation c.3319delC).
Protein change: p.His1107fs; shifts the reading frame from histidine 1107.
Molecular consequence: frameshift variant.
Genome position (GRCh38, 1-based): chr12:115,991,635, G deleted on the plus strand (C on the coding strand, the reverse complement: MED13L is on the minus strand); the first of 3 consecutive G bases (chr12:115,991,635-115,991,637); deleting any one gives the same sequence. VCF-style (leftmost placement, unchanged base first): chr12-115991634-TG-T. GRCh37 (hg19) VCF-style: chr12-116429439-TG-T.
Other names: short protein forms H1107fs.
Identifiers: ClinVar variation 3061080 (VCV003061080.2), dbSNP rs2499857175, ClinGen allele CA2740097580.
Genomic context (GRCh38, chr12:115,991,634, plus strand): 5'-TTTCTGTCTTTAAAGATATTCATCACGGAATCGGAGAGAATCAGGGTAACATAGAGGCTG[TG>T]GGCTTCGGGAATTGGCTGCATGGTGGCGGGCTCCACAGAGTTGAGGGGCCGTGTAGTAGA-3'

ClinVar aggregate classification (germline): Likely pathogenic (0 of 4 stars; one submission).

Conditions:
MED13L-related disorder. Also called: MED13L-related condition.

Submission:

PreventionGenetics, part of Exact Sciences
Classification: Likely pathogenic for MED13L-related condition. Last evaluated: 2024-02-20. Review status: no assertion criteria provided. Collection method: clinical testing. Allele origin: germline.
Comment: The MED13L c.3319delC variant is predicted to result in a frameshift and premature protein termination (p.His1107Thrfs*7). To our knowledge, this variant has not been reported in the literature or in a large population database, indicating this variant is rare. Frameshift variants in MED13L are expected to be pathogenic. This variant is interpreted as likely pathogenic.